The following is an entry in ClinVar:

NM_006206.6(PDGFRA):c.2251G>T (p.Val751Phe)

Gene: PDGFRA (platelet derived growth factor receptor alpha; plus strand). Cytogenetic location: 4q12.
Variant type: single nucleotide variant.
Coding change: c.2251G>T on transcript NM_006206.6 (MANE Select); coding-DNA position 2251, G replaced by T.
Protein change: p.Val751Phe; replaces valine 751 with phenylalanine.
Molecular consequence: missense variant.
Genome position (GRCh38, 1-based): chr4:54,280,410, G>T. VCF-style: chr4-54280410-G-T. GRCh37 (hg19) VCF-style: chr4-55146577-G-T.
Other names: c.2251G>T, p.Val751Phe (NM_001347827.2, NM_001347829.2); c.2326G>T, p.Val776Phe (NM_001347828.2); c.2290G>T, p.Val764Phe (NM_001347830.2); short protein forms V776F, V764F, V751F.
Identifiers: ClinVar variation 852099 (VCV000852099.11), dbSNP rs1560485346, ClinGen allele CA356894406.

ClinVar aggregate classification (germline): Uncertain significance. Review status: criteria provided, multiple submitters, no conflicts (2 of 4 stars). 2 submissions from 2 submitters: Uncertain significance (2). Last evaluated 2024-04-24.

Conditions:
Gastrointestinal stromal tumor. Also called: Gastrointestinal stromal tumor, somatic; Gastrointestinal stroma tumor. Identifiers: Orphanet 44890, MedGen C0238198, MeSH D046152, MONDO:0011719, OMIM 606764, HP:0100723.
Hereditary cancer-predisposing syndrome. Also called: Neoplastic Syndromes, Hereditary; Tumor predisposition; Hereditary Cancer Syndrome; Hereditary neoplastic syndrome. Identifiers: Orphanet 140162, MedGen C0027672, MeSH D009386, MONDO:0015356.

Allele frequency attached by ClinVar (database versions not stated): gnomAD exomes below 0.00001.
gnomAD v4.1: 1 of 1,613,194 alleles (0.000062%); highest among the groups gnomAD compares: Non-Finnish European, 0.000085%; no homozygotes.

Submissions (2):

Ambry Genetics
Classification: Uncertain significance for Hereditary cancer-predisposing syndrome. Last evaluated: 2024-04-24. Review status: criteria provided, single submitter. Criteria: Ambry Variant Classification Scheme 2023. Collection method: clinical testing. Allele origin: germline.
Comment: The p.V751F variant (also known as c.2251G>T), located in coding exon 15 of the PDGFRA gene, results from a G to T substitution at nucleotide position 2251. The valine at codon 751 is replaced by phenylalanine, an amino acid with highly similar properties. This amino acid position is conserved. In addition, this alteration is predicted to be tolerated by in silico analysis. Based on the available evidence, the clinical significance of this variant remains unclear.

Labcorp Genetics (formerly Invitae), Labcorp
Classification: Uncertain significance for Gastrointestinal stromal tumor. Last evaluated: 2024-04-08. Review status: criteria provided, single submitter. Criteria: Invitae Variant Classification Sherloc (09022015). Collection method: clinical testing. Allele origin: germline.
Comment: This sequence change replaces valine, which is neutral and non-polar, with phenylalanine, which is neutral and non-polar, at codon 751 of the PDGFRA protein (p.Val751Phe). This variant is not present in population databases (gnomAD no frequency). This variant has not been reported in the literature in individuals affected with PDGFRA-related conditions. ClinVar contains an entry for this variant (Variation ID: 852099). Advanced modeling of protein sequence and biophysical properties (such as structural, functional, and spatial information, amino acid conservation, physicochemical variation, residue mobility, and thermodynamic stability) performed at Invitae indicates that this missense variant is not expected to disrupt PDGFRA protein function with a negative predictive value of 80%. In summary, the available evidence is currently insufficient to determine the role of this variant in disease. Therefore, it has been classified as a Variant of Uncertain Significance.